The following is an entry in ClinVar:

ClinVar aggregate classification (germline): Uncertain significance (1 of 4 stars; one submission).

gnomAD v4.1: 1 of 1,612,984 alleles (0.000062%); highest among the groups gnomAD compares: Admixed American, 0.0017%; no homozygotes.

Submission:

Labcorp Genetics (formerly Invitae), Labcorp
Classification: Uncertain significance. Last evaluated: 2022-10-08. Review status: criteria provided, single submitter. Criteria: Invitae Variant Classification Sherloc (09022015). Collection method: clinical testing. Allele origin: germline.
Comment: This sequence change falls in intron 3 of the RPS20 gene. It does not directly change the encoded amino acid sequence of the RPS20 protein. It affects a nucleotide within the consensus splice site. This variant is not present in population databases (gnomAD no frequency). This variant has not been reported in the literature in individuals affected with RPS20-related conditions. Variants that disrupt the consensus splice site are a relatively common cause of aberrant splicing (PMID: 17576681, 9536098). Algorithms developed to predict the effect of sequence changes on RNA splicing suggest that this variant is not likely to affect RNA splicing. In summary, the available evidence is currently insufficient to determine the role of this variant in disease. Therefore, it has been classified as a Variant of Uncertain Significance.

Literature cited by the submitters: PubMed 17576681; PubMed 9536098.

NM_001023.4(RPS20):c.177+4A>G

Gene: RPS20 (ribosomal protein S20; minus strand). Cytogenetic location: 8q12.1.
Variant type: single nucleotide variant.
Coding change: c.177+4A>G on transcript NM_001023.4 (MANE Select); 4 bases into the intron after coding-DNA position 177, A replaced by G.
Molecular consequence: intron variant.
Genome position (GRCh38, 1-based): chr8:56,073,691, T>C on the plus strand (A>G on the coding strand, the complement: RPS20 is on the minus strand). VCF-style: chr8-56073691-T-C. GRCh37 (hg19) VCF-style: chr8-56986250-T-C.
Other names: c.177+4A>G (NM_001146227.3).
Identifiers: ClinVar variation 2034738 (VCV002034738.4), dbSNP rs2486983841, ClinGen allele CA371283474.
Genomic context (GRCh38, chr8:56,073,691, plus strand): 5'-AGAACCTGAATTTATGCAACATCCGGAAGCAACTCCTACTTCCTGCCCCTCCGATTTACT[T>C]TACCTTGGTAGGCATTCGAACTGGTCCTTTCACTTTGAGATTCTTTTCTTTTGCGCCTCT-3'